The following is an entry in ClinVar:

GRCh37/hg19 15q11.2(chr15:22770421-23082442)x1

Genes: CYFIP1 (cytoplasmic FMR1 interacting protein 1; minus strand), NIPA1 (NIPA magnesium transporter 1; plus strand), NIPA2 (NIPA magnesium transporter 2; plus strand), TUBGCP5 (tubulin gamma complex associated protein 5; minus strand). Cytogenetic location: 15q11.2.
Variant type: copy number loss.
Change: copy number 1 (one copy instead of two) of chr15:22,770,421-23,082,442 (312.0 kb, GRCh37 coordinates, 1-based), cytogenetic band 15q11.2.
Identifiers: ClinVar variation 979406 (VCV000979406.2).

ClinVar aggregate classification (germline): Likely pathogenic (0 of 4 stars; one submission).

Submission:

Quest Diagnostics Nichols Institute San Juan Capistrano
Classification: Likely pathogenic. Last evaluated: 2021-05-01. Review status: no assertion criteria provided. Collection method: clinical testing. Allele origin: germline.
Comment: This recurrent deletion interval (BP1-BP2) is associated with chromosome 15q11.2 deletion syndrome (OMIM 615656). This deletion has been reported to confer susceptibility to neuropsychiatric and neurodevelopmental disorders, including delayed psychomotor development, speech delay, autism spectrum disorder, attention deficit-hyperactivity disorder, obsessive-compulsive disorder, and possibly seizures (Butler M. J Intellect Disabil Res. 2017 Jun;61(6):568-579. PMID: 28387067). The deletion is enriched in patients versus controls in multiple case-control studies (Coe et al., Nat Genet. 2014 Oct;46(10):1063-71., PMID: 25217958; Cooper et al., Nat Genet. 2011 Aug 14;43(9):838-46., PMID: 21841781; De Kovel et al., Brain. 2010 Jan;133(Pt 1):23-32., PMID: 19843651). However, the clinical significance of this recurrent deletion has been questioned because similar deletions have been observed in a number of uncharacterized controls and in unaffected relatives (Hashemi et al., Am J Med Genet A. 2015 Sep;167A(9):2098-102., PMID: 25946043). Currently, this copy number loss is best described as a susceptibility locus with variable phenotypic expressivity and incomplete penetrance possibly influenced by additional genetic or non-genetic modifiers. This deletion is interpreted as likely pathogenic susceptibility locus. Therefore, an abnormal phenotype is not fully predictable.